The following is an entry in ClinVar:

NM_004415.4(DSP):c.2310A>C (p.Val770=)

Gene: DSP (desmoplakin; plus strand). Cytogenetic location: 6p24.3.
Variant type: single nucleotide variant.
Coding change: c.2310A>C on transcript NM_004415.4 (MANE Select); coding-DNA position 2310, A replaced by C.
Protein change: p.Val770=; no amino-acid change (valine 770 retained).
Molecular consequence: synonymous variant.
Genome position (GRCh38, 1-based): chr6:7,574,669, A>C. VCF-style: chr6-7574669-A-C. GRCh37 (hg19) VCF-style: chr6-7574902-A-C.
Other names: c.2310A>C, p.Val770= (NM_001008844.3, NM_001319034.2); c.2310A>C (NM_004415.3).
Identifiers: ClinVar variation 924053 (VCV000924053.17), dbSNP rs762909119, ClinGen allele CA032750.

ClinVar aggregate classification (germline): Likely benign. Review status: criteria provided, multiple submitters, no conflicts (2 of 4 stars). 4 submissions from 4 submitters: Likely benign (4). Last evaluated 2026-07-30.

Conditions:
Cardiovascular phenotype. Identifiers: MedGen CN230736.
Arrhythmogenic cardiomyopathy with wooly hair and keratoderma. Also called: PALMOPLANTAR KERATODERMA WITH LEFT VENTRICULAR CARDIOMYOPATHY AND WOOLLY HAIR; Carvajal syndrome; Dilated cardiomyopathy with woolly hair and keratoderma; Arrhythmogenic cardiomyopathy with woolly hair and keratoderma. Identifiers: Orphanet 65282, MedGen C1854063, MONDO:0011581, OMIM 605676.
Arrhythmogenic right ventricular dysplasia 8 (ARVD8). Also called: Arrhythmogenic Right Ventricular Dysplasia/Cardiomyopathy 8; ARRHYTHMOGENIC RIGHT VENTRICULAR CARDIOMYOPATHY 8; ARRHYTHMOGENIC RIGHT VENTRICULAR DYSPLASIA, FAMILIAL, 8. Identifiers: MedGen C1843896, MONDO:0011831, OMIM 607450.
DSP-related disorder. Also called: DSP-related condition; DSP-related disorders.
Cardiomyopathy (CMYO). Also called: Cardiomyopathies. Identifiers: Orphanet 167848, MedGen C0878544, MONDO:0004994, HP:0001638. Inheritance: Various modes of inheritance.

Allele frequency attached by ClinVar (database versions not stated): gnomAD exomes below 0.00001; ExAC 0.00002; gnomAD 0.00003; TOPMed 0.00003.
gnomAD v4.1: 6 of 1,613,952 alleles (0.00037%); highest among the groups gnomAD compares: African/African-American, 0.008%; no homozygotes.

Submissions (4):

PreventionGenetics, part of Exact Sciences
Classification: Likely benign for DSP-related condition. Last evaluated: 2026-07-30. Review status: criteria provided, single submitter. Criteria: ACMG Guidelines, 2015. Collection method: clinical testing. Allele origin: germline.
Comment: This variant is classified as likely benign based on ACMG/AMP sequence variant interpretation guidelines (Richards et al. 2015 PMID: 25741868, with internal and published modifications).

Labcorp Genetics (formerly Invitae), Labcorp
Classification: Likely benign for Arrhythmogenic cardiomyopathy with wooly hair and keratoderma; Arrhythmogenic right ventricular dysplasia 8. Last evaluated: 2026-01-31. Review status: criteria provided, single submitter. Criteria: Invitae Variant Classification Sherloc (09022015). Collection method: clinical testing. Allele origin: germline.

Ambry Genetics
Classification: Likely benign for Cardiovascular phenotype. Last evaluated: 2023-06-17. Review status: criteria provided, single submitter. Criteria: Ambry Variant Classification Scheme 2023. Collection method: clinical testing. Allele origin: germline.

Color Diagnostics, LLC DBA Color Health
Classification: Likely benign for Cardiomyopathy. Last evaluated: 2019-11-06. Review status: criteria provided, single submitter. Criteria: ACMG Guidelines, 2015. Collection method: clinical testing. Allele origin: germline.